The following is an entry in ClinVar:

ClinVar aggregate classification (germline): Benign/Likely benign. Review status: criteria provided, multiple submitters, no conflicts (2 of 4 stars). 4 submissions from 4 submitters: Benign (1); Likely benign (3). Last evaluated 2024-11-22.

Conditions:
Primary pulmonary hypertension. Also called: Idiopathic pulmonary hypertension. Identifiers: MedGen C0152171.
Pulmonary hypertension, primary, 1 (PPH1). Also called: Pulmonary hypertension, familial primary, 1, with or without HHT. Identifiers: Orphanet 422, MedGen C4552070, MONDO:0024533, OMIM 178600.
Pulmonary venoocclusive disease 1 (PVOD1). Also called: Pulmonary venoocclusive disease 1, autosomal dominant. Identifiers: Orphanet 31837, MedGen C3887658, MONDO:0020713, OMIM 265450.
Inborn genetic diseases. Identifiers: MedGen C0950123, MeSH D030342.

Allele frequency attached by ClinVar (database versions not stated): gnomAD 0.00009 and 0.00010; gnomAD exomes 0.00015 and 0.00017; ExAC 0.00016.
gnomAD v4.1: 104 of 1,614,098 alleles (0.0064%); highest among the groups gnomAD compares: Non-Finnish European, 0.0011%; no homozygotes.

Submissions (4):

Ambry Genetics
Classification: Likely benign for Inborn genetic diseases. Last evaluated: 2024-11-22. Review status: criteria provided, single submitter. Criteria: Ambry Variant Classification Scheme 2023. Collection method: clinical testing. Allele origin: germline.

Labcorp Genetics (formerly Invitae), Labcorp
Classification: Benign for Primary pulmonary hypertension. Last evaluated: 2022-07-30. Review status: criteria provided, single submitter. Criteria: Invitae Variant Classification Sherloc (09022015). Collection method: clinical testing. Allele origin: germline.

Fulgent Genetics
Classification: Likely benign for Pulmonary hypertension, primary, 1; Pulmonary venoocclusive disease 1. Last evaluated: 2022-05-25. Review status: criteria provided, single submitter. Criteria: ACMG Guidelines, 2015. Collection method: clinical testing. Allele origin: unknown.

Illumina Laboratory Services, Illumina
Classification: Likely benign for Pulmonary hypertension, primary, 1. Last evaluated: 2018-01-12. Review status: criteria provided, single submitter. Criteria: ICSL Variant Classification Criteria 13 December 2019. Collection method: clinical testing. Allele origin: germline.
Comment: This variant was observed in the ICSL laboratory as part of a predisposition screen in an ostensibly healthy population. It had not been previously curated by ICSL or reported in the Human Gene Mutation Database (HGMD: prior to June 1st, 2018), and was therefore a candidate for classification through an automated scoring system. Utilizing variant allele frequency, disease prevalence and penetrance estimates, and inheritance mode, an automated score was calculated to assess if this variant is too frequent to cause the disease. Based on the score and internal cut-off values, a variant classified as likely benign is not then subjected to further curation. The score for this variant resulted in a classification of likely benign for this disease.

NM_001204.7(BMPR2):c.57G>A (p.Leu19=)

Gene: BMPR2 (bone morphogenetic protein receptor type 2; plus strand). Cytogenetic location: 2q33.1.
Variant type: single nucleotide variant.
Coding change: c.57G>A on transcript NM_001204.7 (MANE Select); coding-DNA position 57, G replaced by A.
Protein change: p.Leu19=; no amino-acid change (leucine 19 retained).
Molecular consequence: synonymous variant.
Genome position (GRCh38, 1-based): chr2:202,377,531, G>A. VCF-style: chr2-202377531-G-A. GRCh37 (hg19) VCF-style: chr2-203242254-G-A.
Identifiers: ClinVar variation 895425 (VCV000895425.13), dbSNP rs759723251, ClinGen allele CA2061004.
Genomic context (GRCh38, chr2:202,377,531, plus strand): 5'-AGGGATGACTTCCTCGCTGCAGCGGCCCTGGCGGGTGCCCTGGCTACCATGGACCATCCT[G>A]CTGGTCAGCACTGCGGCTGGTGAGTAGCTCCGGCCGGCACGTCCCGGCCACTGCCCCTGC-3'
Protein context (NP_001195.2, residues 9-29): WRVPWLPWTI[Leu19=]LVSTAAASQN